The following is an entry in ClinVar:

ClinVar aggregate classification (germline): Conflicting classifications of pathogenicity. Review status: criteria provided, conflicting classifications (1 of 4 stars). 2 submissions from 2 submitters: Uncertain significance (1); Benign (1). Last evaluated 2025-01-22.

Allele frequency attached by ClinVar (database versions not stated): TOPMed 0.00001.
gnomAD v4.1: 8 of 1,606,286 alleles (0.0005%); highest among the groups gnomAD compares: Non-Finnish European, 0.00068%; no homozygotes.

Submissions (2):

Labcorp Genetics (formerly Invitae), Labcorp
Classification: Benign. Last evaluated: 2025-01-22. Review status: criteria provided, single submitter. Criteria: Invitae Variant Classification Sherloc (09022015). Collection method: clinical testing. Allele origin: germline.

CeGaT Center for Human Genetics Tuebingen
Classification: Uncertain significance. Last evaluated: 2024-11-01. Review status: criteria provided, single submitter. Criteria: CeGaT Center For Human Genetics Tuebingen Variant Classification Criteria Version 2. Collection method: clinical testing. Allele origin: germline. Affected: yes. Observed: 1 variant allele.
Comment: KCNQ5: PM2, PP2

NM_019842.4(KCNQ5):c.289A>C (p.Thr97Pro)

Genes: KCNQ5 (potassium voltage-gated channel subfamily Q member 5; plus strand), KCNQ5-DT (KCNQ5 divergent transcript; minus strand). Cytogenetic location: 6q13.
Variant type: single nucleotide variant.
Coding change: c.289A>C on transcript NM_019842.4 (MANE Select); coding-DNA position 289, A replaced by C.
Protein change: p.Thr97Pro; replaces threonine 97 with proline.
Molecular consequence: missense variant.
Genome position (GRCh38, 1-based): chr6:72,622,478, A>C. VCF-style: chr6-72622478-A-C. GRCh37 (hg19) VCF-style: chr6-73332206-A-C.
Other names: c.289A>C, p.Thr97Pro (NM_001160130.2, NM_001160132.2, NM_001160133.2 and 1 more transcripts); short protein forms T97P.
Identifiers: ClinVar variation 1947297 (VCV001947297.19), dbSNP rs201796531, ClinGen allele CA141452129.
Genomic context (GRCh38, chr6:72,622,478, plus strand): 5'-GAGAGCCGCCGGGGCAAGCAGGGGGCCCGGATGAGCCTGCTGGGGAAGCCGCTCTCTTAC[A>C]CGAGTAGCCAGAGCTGCCGGCGCAACGTCAAGTACCGGCGGGTGCAGAACTACCTGTACA-3'
Protein context (NP_062816.2, residues 87-107): MSLLGKPLSY[Thr97Pro]SSQSCRRNVK